The following is an entry in ClinVar:

NM_000503.6(EYA1):c.163A>G (p.Thr55Ala)

Gene: EYA1 (EYA transcriptional coactivator and phosphatase 1; minus strand). Cytogenetic location: 8q13.3.
Variant type: single nucleotide variant.
Coding change: c.163A>G on transcript NM_000503.6 (MANE Select); coding-DNA position 163, A replaced by G.
Protein change: p.Thr55Ala; replaces threonine 55 with alanine.
Molecular consequence: missense variant. On other transcripts: 5 prime UTR variant (1).
Genome position (GRCh38, 1-based): chr8:71,334,136, T>C on the plus strand (A>G on the coding strand, the complement: EYA1 is on the minus strand). VCF-style: chr8-71334136-T-C. GRCh37 (hg19) VCF-style: chr8-72246371-T-C.
Other names: c.163A>G, p.Thr55Ala (NM_001288574.2, NM_001370334.1, NM_001370335.1 and 1 more transcripts); c.-122A>G (NM_001288575.2); c.250A>G, p.Thr84Ala (NM_001370333.1, NM_001370336.1, NM_172059.5); short protein forms T55A, T84A.
Identifiers: ClinVar variation 1302627 (VCV001302627.7), dbSNP rs139194909, ClinGen allele CA4779872.

ClinVar aggregate classification (germline): Conflicting classifications of pathogenicity. Review status: criteria provided, conflicting classifications (1 of 4 stars). 3 submissions from 3 submitters: Uncertain significance (2); Likely benign (1). Last evaluated 2025-08-07.

Conditions:
Branchiootorenal syndrome 1. Also called: Branchio-Oto-Renal Syndrome 1. Identifiers: Orphanet 107, MedGen C4551702, MONDO:0007236, OMIM 113650.
Branchiootic syndrome 1 (BOS1). Also called: BO SYNDROME 1; BRANCHIOOTIC DYSPLASIA. Identifiers: MedGen C1865143, MONDO:0011258, OMIM 602588.
Otofaciocervical syndrome 1 (OTFCS). Identifiers: MedGen C3714941, MONDO:0024532, OMIM 166780.
Melnick-Fraser syndrome (BOR). Also called: Branchio-oto-renal syndrome; Branchiootorenal Syndrome (BORS); Branchiootorenal syndrome. Identifiers: Orphanet 107, MedGen C0265234, MONDO:0007029.

Allele frequency attached by ClinVar (database versions not stated): gnomAD 0.00001; gnomAD exomes 0.00001 and 0.00003; ExAC 0.00002; TOPMed 0.00002; ESP Exome Variant Server 0.00015.
gnomAD v4.1: 11 of 1,613,696 alleles (0.00068%); highest among the groups gnomAD compares: South Asian, 0.0055%; no homozygotes.

Submissions (3):

Labcorp Genetics (formerly Invitae), Labcorp
Classification: Likely benign for Melnick-Fraser syndrome. Last evaluated: 2025-08-07. Review status: criteria provided, single submitter. Criteria: Invitae Variant Classification Sherloc (09022015). Collection method: clinical testing. Allele origin: germline.

Fulgent Genetics
Classification: Uncertain significance for Branchiootorenal syndrome 1; Otofaciocervical syndrome 1; Branchiootic syndrome 1. Last evaluated: 2024-06-13. Review status: criteria provided, single submitter. Criteria: ACMG Guidelines, 2015. Collection method: clinical testing. Allele origin: germline.

GeneDx
Classification: Uncertain significance. Last evaluated: 2022-03-07. Review status: criteria provided, single submitter. Criteria: GeneDx Variant Classification Process June 2021. Collection method: clinical testing. Allele origin: germline. Affected: yes.
Comment: Has not been previously published as pathogenic or benign to our knowledge; In silico analysis, which includes protein predictors and evolutionary conservation, supports that this variant does not alter protein structure/function